The following is an entry in ClinVar:

ClinVar aggregate classification (germline): Benign. Review status: criteria provided, multiple submitters, no conflicts (2 of 4 stars). 3 submissions from 3 submitters: Benign (2). 1 of the submissions does not count toward it. Last evaluated 2026-01-20.

Conditions:
Erythrocytosis, familial, 3 (ECYT3). Identifiers: Orphanet 247511, MedGen C1853286, MONDO:0012353, OMIM 609820.
EGLN1-related disorder. Also called: EGLN1-related condition.

Allele frequency attached by ClinVar (database versions not stated): gnomAD 0.00001 and 0.00013; TOPMed 0.00005; gnomAD exomes 0.00018 and 0.00040; ExAC 0.00041; 1000 Genomes Project 0.00080; 1000 Genomes Project 30x 0.00109.
gnomAD v4.1: 280 of 1,613,858 alleles (0.017%); highest among the groups gnomAD compares: South Asian, 0.25%; 2 homozygotes.

Submissions (3):

Labcorp Genetics (formerly Invitae), Labcorp
Classification: Benign for Erythrocytosis, familial, 3. Last evaluated: 2026-01-20. Review status: criteria provided, single submitter. Criteria: Invitae Variant Classification Sherloc (09022015). Collection method: clinical testing. Allele origin: germline.

ARUP Laboratories, Molecular Genetics and Genomics, ARUP Laboratories
Classification: Benign. Last evaluated: 2025-07-04. Review status: criteria provided, single submitter. Criteria: ARUP Molecular Germline Variant Investigation Process 2024. Collection method: clinical testing. Allele origin: germline.

PreventionGenetics, part of Exact Sciences
Classification: Likely benign for EGLN1-related condition. Last evaluated: 2019-05-23. Review status: no assertion criteria provided. Collection method: clinical testing. Allele origin: germline. Not counted in ClinVar's aggregate classification.
Comment: This variant is classified as likely benign based on ACMG/AMP sequence variant interpretation guidelines (Richards et al. 2015 PMID: 25741868, with internal and published modifications).

NM_022051.3(EGLN1):c.1216+7G>A

Gene: EGLN1 (egl-9 family hypoxia inducible factor 1; minus strand). Cytogenetic location: 1q42.2.
Variant type: single nucleotide variant.
Coding change: c.1216+7G>A on transcript NM_022051.3 (MANE Select); 7 bases into the intron after coding-DNA position 1216, G replaced by A.
Molecular consequence: intron variant.
Genome position (GRCh38, 1-based): chr1:231,367,562, C>T on the plus strand (G>A on the coding strand, the complement: EGLN1 is on the minus strand). VCF-style: chr1-231367562-C-T. GRCh37 (hg19) VCF-style: chr1-231503308-C-T.
Other names: c.*41+7G>A (NM_001377261.1); c.1149-1087G>A (NM_001377260.1).
Identifiers: ClinVar variation 701770 (VCV000701770.13), dbSNP rs541795999, ClinGen allele CA1452998.